The following is an entry in ClinVar:

NM_030928.4(CDT1):c.878A>G (p.Gln293Arg)

Gene: CDT1 (chromatin licensing and DNA replication factor 1; plus strand). Cytogenetic location: 16q24.3.
Variant type: single nucleotide variant.
Coding change: c.878A>G on transcript NM_030928.4 (MANE Select); coding-DNA position 878, A replaced by G.
Protein change: p.Gln293Arg; replaces glutamine 293 with arginine.
Molecular consequence: missense variant.
Genome position (GRCh38, 1-based): chr16:88,806,066, A>G. VCF-style: chr16-88806066-A-G. GRCh37 (hg19) VCF-style: chr16-88872474-A-G.
Other names: c.878A>G (NM_030928.3); short protein forms Q293R.
Identifiers: ClinVar variation 1449489 (VCV001449489.12), dbSNP rs537487304, ClinGen allele CA8233883.

ClinVar aggregate classification (germline): Uncertain significance. Review status: criteria provided, multiple submitters, no conflicts (2 of 4 stars). 2 submissions from 2 submitters: Uncertain significance (2). Last evaluated 2025-08-20.

Conditions:
Inborn genetic diseases. Identifiers: MedGen C0950123, MeSH D030342.

Allele frequency attached by ClinVar (database versions not stated): gnomAD 0.00003 and 0.00001; gnomAD exomes 0.00004 and 0.00010; ExAC 0.00013; 1000 Genomes Project 0.00020; 1000 Genomes Project 30x 0.00031; TOPMed 0.00002.
gnomAD v4.1: 59 of 1,601,384 alleles (0.0037%); highest among the groups gnomAD compares: South Asian, 0.052%; no homozygotes.

Submissions (2):

Ambry Genetics
Classification: Uncertain significance for Inborn genetic diseases. Last evaluated: 2025-08-20. Review status: criteria provided, single submitter. Criteria: Ambry Variant Classification Scheme 2023. Collection method: clinical testing. Allele origin: germline.

Labcorp Genetics (formerly Invitae), Labcorp
Classification: Uncertain significance. Last evaluated: 2025-03-01. Review status: criteria provided, single submitter. Criteria: Invitae Variant Classification Sherloc (09022015). Collection method: clinical testing. Allele origin: germline.
Comment: This sequence change replaces glutamine, which is neutral and polar, with arginine, which is basic and polar, at codon 293 of the CDT1 protein (p.Gln293Arg). This variant is present in population databases (rs537487304, gnomAD 0.07%). This variant has not been reported in the literature in individuals affected with CDT1-related conditions. ClinVar contains an entry for this variant (Variation ID: 1449489). An algorithm developed to predict the effect of missense changes on protein structure and function outputs the following: PolyPhen-2: "Benign". The arginine amino acid residue is found in multiple mammalian species, which suggests that this missense change does not adversely affect protein function. In summary, the available evidence is currently insufficient to determine the role of this variant in disease. Therefore, it has been classified as a Variant of Uncertain Significance.